The following is an entry in ClinVar:

NM_004168.4(SDHA):c.1717C>G (p.Leu573Val)

Gene: SDHA (succinate dehydrogenase complex flavoprotein subunit A; plus strand). Cytogenetic location: 5p15.33.
Variant type: single nucleotide variant.
Coding change: c.1717C>G on transcript NM_004168.4 (MANE Select); coding-DNA position 1717, C replaced by G.
Protein change: p.Leu573Val; replaces leucine 573 with valine.
Molecular consequence: missense variant. On other transcripts: intron variant (1).
Genome position (GRCh38, 1-based): chr5:251,391, C>G. VCF-style: chr5-251391-C-G. GRCh37 (hg19) VCF-style: chr5-251506-C-G.
Other names: c.1573C>G, p.Leu525Val (NM_001294332.2); c.1552-3002C>G (NM_001330758.2); short protein forms L573V, L525V.
Identifiers: ClinVar variation 579129 (VCV000579129.15), dbSNP rs1445945083, ClinGen allele CA359000092.

ClinVar aggregate classification (germline): Uncertain significance. Review status: criteria provided, multiple submitters, no conflicts (2 of 4 stars). 4 submissions from 4 submitters: Uncertain significance (4). Last evaluated 2025-12-09.

Conditions:
Hereditary cancer-predisposing syndrome. Also called: Neoplastic Syndromes, Hereditary; Tumor predisposition; Hereditary neoplastic syndrome; Hereditary Cancer Syndrome. Identifiers: Orphanet 140162, MedGen C0027672, MeSH D009386, MONDO:0015356.
Dilated cardiomyopathy 1GG (CMD1GG). Identifiers: Orphanet 154, MedGen C3150898, MONDO:0013339, OMIM 613642.
Mitochondrial complex II deficiency, nuclear type 1. Also called: SUCCINATE CoQ REDUCTASE DEFICIENCY. Identifiers: Orphanet 3208, MedGen C5700310, MONDO:0100294, OMIM 252011.
Pheochromocytoma/paraganglioma syndrome 5. Also called: Paragangliomas 5; SDHA-Related Hereditary Paraganglioma-Pheochromocytoma Syndrome. Identifiers: Orphanet 29072, MedGen C3279992, MONDO:0013602, OMIM 614165.

Allele frequency attached by ClinVar (database versions not stated): gnomAD exomes below 0.00001; gnomAD 0.00001; TOPMed 0.00001.
gnomAD v4.1: 3 of 1,613,774 alleles (0.00019%); highest among the groups gnomAD compares: Non-Finnish European, 0.00025%; no homozygotes.

Submissions (4):

Labcorp Genetics (formerly Invitae), Labcorp
Classification: Uncertain significance for Pheochromocytoma/paraganglioma syndrome 5; Mitochondrial complex II deficiency, nuclear type 1. Last evaluated: 2025-12-09. Review status: criteria provided, single submitter. Criteria: Invitae Variant Classification Sherloc (09022015). Collection method: clinical testing. Allele origin: germline.
Comment: This sequence change replaces leucine, which is neutral and non-polar, with valine, which is neutral and non-polar, at codon 573 of the SDHA protein (p.Leu573Val). This variant is not present in population databases (gnomAD no frequency). This variant has not been reported in the literature in individuals affected with SDHA-related conditions. ClinVar contains an entry for this variant (Variation ID: 579129). Invitae Evidence Modeling of protein sequence and biophysical properties (such as structural, functional, and spatial information, amino acid conservation, physicochemical variation, residue mobility, and thermodynamic stability) indicates that this missense variant is not expected to disrupt SDHA protein function with a negative predictive value of 95%. RNA analysis performed to evaluate the impact of this missense change on mRNA splicing indicates it does not significantly alter splicing (internal data). In summary, the available evidence is currently insufficient to determine the role of this variant in disease. Therefore, it has been classified as a Variant of Uncertain Significance.

Ambry Genetics
Classification: Uncertain significance for Hereditary cancer-predisposing syndrome. Last evaluated: 2025-11-07. Review status: criteria provided, single submitter. Criteria: Ambry Variant Classification Scheme 2023. Collection method: clinical testing. Allele origin: germline.

Baylor Genetics
Classification: Uncertain significance for Dilated cardiomyopathy 1GG. Last evaluated: 2023-05-12. Review status: criteria provided, single submitter. Criteria: ACMG Guidelines, 2015. Collection method: clinical testing. Allele origin: unknown.

St. Jude Molecular Pathology, St. Jude Children's Research Hospital
Classification: Uncertain significance for Pheochromocytoma/paraganglioma syndrome 5. Last evaluated: 2023-02-15. Review status: criteria provided, single submitter. Criteria: St. Jude Assertion Criteria 2020. Collection method: clinical testing. Allele origin: germline.
Comment: The SDHA c.1717C>G (p.Leu573Val) missense change is absent in gnomAD v2.1.1. The in silico tool REVEL is inconclusive about a pathogenic or benign effect of this variant on protein function, and to our knowledge functional studies have not been performed. To our knowledge, this variant has not been reported in individuals with SDHA-associated tumors. In summary, the evidence currently available is insufficient to determine the clinical significance of this variant. It has therefore been classified as of uncertain significance.